The following is an entry in ClinVar:

ClinVar aggregate classification (germline): Uncertain significance. Review status: criteria provided, multiple submitters, no conflicts (2 of 4 stars). 2 submissions from 2 submitters: Uncertain significance (2). Last evaluated 2024-01-30.

Conditions:
Inborn genetic diseases. Identifiers: MedGen C0950123, MeSH D030342.

Allele frequency attached by ClinVar (database versions not stated): ExAC 0.00006; 1000 Genomes Project 0.00020; 1000 Genomes Project 30x 0.00031.
gnomAD v4.1: 57 of 1,613,604 alleles (0.0035%); highest among the groups gnomAD compares: South Asian, 0.0077%; no homozygotes.

Submissions (2):

Ambry Genetics
Classification: Uncertain significance for Inborn genetic diseases. Last evaluated: 2024-01-30. Review status: criteria provided, single submitter. Criteria: Ambry Variant Classification Scheme 2023. Collection method: clinical testing. Allele origin: germline.

Labcorp Genetics (formerly Invitae), Labcorp
Classification: Uncertain significance. Last evaluated: 2022-08-05. Review status: criteria provided, single submitter. Criteria: Invitae Variant Classification Sherloc (09022015). Collection method: clinical testing. Allele origin: germline.
Comment: This sequence change replaces alanine, which is neutral and non-polar, with valine, which is neutral and non-polar, at codon 590 of the ADAMTS17 protein (p.Ala590Val). This variant is present in population databases (rs369507903, gnomAD 0.02%). This variant has not been reported in the literature in individuals affected with ADAMTS17-related conditions. Algorithms developed to predict the effect of missense changes on protein structure and function are either unavailable or do not agree on the potential impact of this missense change (SIFT: "Not Available"; PolyPhen-2: "Benign"; Align-GVGD: "Not Available"). In summary, the available evidence is currently insufficient to determine the role of this variant in disease. Therefore, it has been classified as a Variant of Uncertain Significance.

NM_139057.4(ADAMTS17):c.1769C>T (p.Ala590Val)

Gene: ADAMTS17 (ADAM metallopeptidase with thrombospondin type 1 motif 17; minus strand). Cytogenetic location: 15q26.3.
Variant type: single nucleotide variant.
Coding change: c.1769C>T on transcript NM_139057.4 (MANE Select); coding-DNA position 1769, C replaced by T.
Protein change: p.Ala590Val; replaces alanine 590 with valine.
Molecular consequence: missense variant.
Genome position (GRCh38, 1-based): chr15:100,116,966, G>A on the plus strand (C>T on the coding strand, the complement: ADAMTS17 is on the minus strand). VCF-style: chr15-100116966-G-A. GRCh37 (hg19) VCF-style: chr15-100657171-G-A.
Other names: c.1769C>T (NM_139057.2); short protein forms A590V.
Identifiers: ClinVar variation 2167965 (VCV002167965.2), dbSNP rs369507903, ClinGen allele CA7758062.